The following is an entry in ClinVar:

ClinVar aggregate classification (germline): Likely pathogenic. Review status: reviewed by expert panel (3 of 4 stars). 7 submissions from 7 submitters: Likely pathogenic (1). 6 of the submissions do not count toward it. Last evaluated 2020-07-09.

Conditions:
Phenylketonuria (PKU). Also called: Phenylketonuria (PKU); FOLLING DISEASE; OLIGOPHRENIA PHENYLPYRUVICA; Phenylketonurias. Identifiers: Orphanet 716, MedGen C0031485, MONDO:0009861, OMIM 261600. Disease mechanism: loss of function.

Allele frequency attached by ClinVar (database versions not stated): TOPMed below 0.00001; gnomAD 0.00001.
gnomAD v4.1: 7 of 1,613,994 alleles (0.00043%); highest among the groups gnomAD compares: Middle Eastern, 0.016%; no homozygotes.

Submissions (7):

ClinGen PAH Variant Curation Expert Panel
Classification: Likely pathogenic for Phenylketonuria. Last evaluated: 2020-07-09. Review status: reviewed by expert panel. Criteria: ClinGen PAH ACMG Specifications v1. Collection method: curation. Allele origin: germline. Inheritance: Autosomal recessive inheritance.
Comment: The c.665A>G (p.Asp222Gly) variant in PAH has been reported in multiple individuals with PAH deficiency (PMID: 24510552, 9429153); One had BH4 cofactor deficiency excluded (PMID: 15589814). This variant is absent in population databases. This variant was detected with multiple pathogenic variants: p.A104D (PMID: 9429153); p.R408W (PMID: 15589814); c.1066-11G>A (PMID: 23842451); p.L48S (PMID: 25757997); p.I65T (PMID: 16165389). Computational evidence is conflicting. In summary, this variant meets criteria to be classified as likely pathogenic for PAH. PAH-specific ACMG/AMP criteria applied: PP4_Moderate, PM2, PM3_strong.

Labcorp Genetics (formerly Invitae), Labcorp
Classification: Pathogenic for Phenylketonuria. Last evaluated: 2025-02-03. Review status: criteria provided, single submitter. Criteria: Invitae Variant Classification Sherloc (09022015). Collection method: clinical testing. Allele origin: germline. Not counted in ClinVar's aggregate classification.
Comment: This sequence change replaces aspartic acid, which is acidic and polar, with glycine, which is neutral and non-polar, at codon 222 of the PAH protein (p.Asp222Gly). This variant is not present in population databases (gnomAD no frequency). This missense change has been observed in individual(s) with phenylketonuria (PMID: 9429153, 10598814, 32668217). ClinVar contains an entry for this variant (Variation ID: 102775). Invitae Evidence Modeling of protein sequence and biophysical properties (such as structural, functional, and spatial information, amino acid conservation, physicochemical variation, residue mobility, and thermodynamic stability) indicates that this missense variant is not expected to disrupt PAH protein function with a negative predictive value of 80%. Algorithms developed to predict the effect of sequence changes on RNA splicing suggest that this variant may create or strengthen a splice site. For these reasons, this variant has been classified as Pathogenic.

GeneDx
Classification: Pathogenic. Last evaluated: 2025-01-06. Review status: criteria provided, single submitter. Criteria: GeneDx Variant Classification Process June 2021. Collection method: clinical testing. Allele origin: germline. Affected: yes. Not counted in ClinVar's aggregate classification.
Comment: Not observed at significant frequency in large population cohorts (gnomAD); In silico analysis supports that this missense variant has a deleterious effect on protein structure/function; This variant is associated with the following publications: (PMID: 24510552, 15589814, 25757997, 23842451, 26659599, 37098607, 9429153, 30747360, 12409276, 22330942, 17935162, 10598814, 27915290, 32326614, 17924342, 11678552, 16165389, 29997390, 17096675, 19948162, 23266371, 19292873, 36845377, 32668217)

Baylor Genetics
Classification: Pathogenic for Phenylketonuria. Last evaluated: 2023-01-23. Review status: criteria provided, single submitter. Criteria: ACMG Guidelines, 2015. Collection method: clinical testing. Allele origin: unknown. Not counted in ClinVar's aggregate classification.

Women's Health and Genetics/Laboratory Corporation of America, LabCorp
Classification: Pathogenic for Phenylketonuria. Last evaluated: 2022-04-26. Review status: criteria provided, single submitter. Criteria: LabCorp Variant Classification Summary - May 2015. Collection method: clinical testing. Allele origin: germline. Not counted in ClinVar's aggregate classification.
Comment: Variant summary: PAH c.665A>G (p.Asp222Gly) results in a non-conservative amino acid change in the encoded protein sequence. Four of five in-silico tools predict a damaging effect of the variant on protein function. The variant was absent in 251340 control chromosomes. c.665A>G has been reported in the literature in individuals affected with Phenylalanine Hydroxylase Deficiency (Phenylketonuria). These data indicate that the variant is likely to be associated with disease. Two clinical diagnostic laboratories have submitted clinical-significance assessments for this variant to ClinVar after 2014 without evidence for independent evaluation. Both laboratories classified the variant as pathogenic/likely pathogenic. Based on the evidence outlined above, the variant was classified as pathogenic.

Revvity Omics, Revvity
Classification: Likely pathogenic for Phenylketonuria. Last evaluated: 2021-11-23. Review status: criteria provided, single submitter. Criteria: ACMG Guidelines, 2015. Collection method: clinical testing. Allele origin: germline. Not counted in ClinVar's aggregate classification.

DeBelle Laboratory for Biochemical Genetics, MUHC/MCH RESEARCH INSTITUTE
No classification provided. Review status: no classification provided. Collection method: not provided. Allele origin: not provided. Not counted in ClinVar's aggregate classification.

Literature cited by the submitters: PubMed 24510552 (cited by ClinGen PAH Variant Curation Expert Panel); PubMed 12409276 (cited by ClinGen PAH Variant Curation Expert Panel); PubMed 23842451 (cited by ClinGen PAH Variant Curation Expert Panel); PubMed 9429153 (cited by 3 submitters); PubMed 15589814 (cited by ClinGen PAH Variant Curation Expert Panel); PubMed 25757997 (cited by ClinGen PAH Variant Curation Expert Panel); PubMed 10598814 (cited by Labcorp Genetics (formerly Invitae), Labcorp); PubMed 32668217 (cited by Labcorp Genetics (formerly Invitae), Labcorp); PubMed 17935162 (cited by Women's Health and Genetics/Laboratory Corporation of America, LabCorp); PubMed 30747360 (cited by Women's Health and Genetics/Laboratory Corporation of America, LabCorp).

NM_000277.3(PAH):c.665A>G (p.Asp222Gly)

Gene: PAH (phenylalanine hydroxylase; minus strand). Cytogenetic location: 12q23.2.
Variant type: single nucleotide variant.
Coding change: c.665A>G on transcript NM_000277.3 (MANE Select); coding-DNA position 665, A replaced by G.
Protein change: p.Asp222Gly; replaces aspartic acid 222 with glycine.
Molecular consequence: missense variant.
Genome position (GRCh38, 1-based): chr12:102,855,177, T>C on the plus strand (A>G on the coding strand, the complement: PAH is on the minus strand). VCF-style: chr12-102855177-T-C. GRCh37 (hg19) VCF-style: chr12-103248955-T-C.
Other names: NM_000277.1(PAH):c.665A>G; p.Asp222Gly; c.665A>G, p.Asp222Gly (NM_001354304.2); short protein forms D222G.
Identifiers: ClinVar variation 102775 (VCV000102775.13), dbSNP rs62507319, ClinGen allele CA229679.